The following is an entry in ClinVar:

ClinVar aggregate classification (germline): Uncertain significance. Review status: criteria provided, multiple submitters, no conflicts (2 of 4 stars). 3 submissions from 3 submitters: Uncertain significance (3). Last evaluated 2025-10-15.

Conditions:
Hereditary cancer-predisposing syndrome. Also called: Neoplastic Syndromes, Hereditary; Tumor predisposition; Hereditary Cancer Syndrome; Hereditary neoplastic syndrome. Identifiers: Orphanet 140162, MedGen C0027672, MeSH D009386, MONDO:0015356.
Hereditary breast ovarian cancer syndrome. Also called: BRCA1- and BRCA2-Associated Hereditary Breast and Ovarian Cancer; Hereditary breast and ovarian cancer syndrome; Hereditary breast and ovarian cancer; Hereditary breast and ovarian cancer syndrome (HBOC); Breast and ovarian cancer; Hereditary breast and/or ovarian cancer syndrome. Identifiers: Orphanet 145, MedGen C0677776, MeSH D061325, MONDO:0003582. Disease mechanism: loss of function.

Allele frequency attached by ClinVar (database versions not stated): gnomAD exomes below 0.00001; ExAC 0.00001.
gnomAD v4.1: 2 of 1,614,216 alleles (0.00012%); highest among the groups gnomAD compares: Non-Finnish European, 0.00017%; no homozygotes.

Submissions (3):

Labcorp Genetics (formerly Invitae), Labcorp
Classification: Uncertain significance for Hereditary breast ovarian cancer syndrome. Last evaluated: 2025-10-15. Review status: criteria provided, single submitter. Criteria: Invitae Variant Classification Sherloc (09022015). Collection method: clinical testing. Allele origin: germline.
Comment: This sequence change replaces arginine, which is basic and polar, with glycine, which is neutral and non-polar, at codon 3302 of the BRCA2 protein (p.Arg3302Gly). This variant is present in population databases (rs762935810, gnomAD 0.0009%). This variant has not been reported in the literature in individuals affected with BRCA2-related conditions. ClinVar contains an entry for this variant (Variation ID: 230888). Invitae Evidence Modeling of protein sequence and biophysical properties (such as structural, functional, and spatial information, amino acid conservation, physicochemical variation, residue mobility, and thermodynamic stability) indicates that this missense variant is not expected to disrupt BRCA2 protein function with a negative predictive value of 95%. In summary, the available evidence is currently insufficient to determine the role of this variant in disease. Therefore, it has been classified as a Variant of Uncertain Significance.

Ambry Genetics
Classification: Uncertain significance for Hereditary cancer-predisposing syndrome. Last evaluated: 2021-10-18. Review status: criteria provided, single submitter. Criteria: Ambry Variant Classification Scheme 2023. Collection method: clinical testing. Allele origin: germline.
Comment: The p.R3302G variant (also known as c.9904A>G), located in coding exon 26 of the BRCA2 gene, results from an A to G substitution at nucleotide position 9904. The arginine at codon 3302 is replaced by glycine, an amino acid with dissimilar properties. This amino acid position is highly conserved in available vertebrate species. In addition, this alteration is predicted to be tolerated by in silico analysis. Since supporting evidence is limited at this time, the clinical significance of this alteration remains unclear.

Color Diagnostics, LLC DBA Color Health
Classification: Uncertain significance for Hereditary cancer-predisposing syndrome. Last evaluated: 2021-07-26. Review status: criteria provided, single submitter. Criteria: ACMG Guidelines, 2015. Collection method: clinical testing. Allele origin: germline.
Comment: This missense variant replaces arginine with glycine at codon 3302 of the BRCA2 protein. Computational prediction suggests that this variant may not impact protein structure and function (internally defined REVEL score threshold <= 0.5, PMID: 27666373). To our knowledge, functional studies have not been reported for this variant. This variant has not been reported in individuals affected with hereditary cancer in the literature. This variant has been identified in 1/251230 chromosomes in the general population by the Genome Aggregation Database (gnomAD). The available evidence is insufficient to determine the role of this variant in disease conclusively. Therefore, this variant is classified as a Variant of Uncertain Significance.

NM_000059.4(BRCA2):c.9904A>G (p.Arg3302Gly)

Gene: BRCA2 (BRCA2 DNA repair associated; plus strand). Cytogenetic location: 13q13.1.
Variant type: single nucleotide variant.
Coding change: c.9904A>G on transcript NM_000059.4 (MANE Select); coding-DNA position 9904, A replaced by G.
Protein change: p.Arg3302Gly; replaces arginine 3302 with glycine.
Molecular consequence: missense variant.
Genome position (GRCh38, 1-based): chr13:32,398,417, A>G. VCF-style: chr13-32398417-A-G. GRCh37 (hg19) VCF-style: chr13-32972554-A-G.
Other names: short protein forms R3302G.
Identifiers: ClinVar variation 230888 (VCV000230888.15), dbSNP rs762935810, ClinGen allele CA6941453.
Genomic context (GRCh38, chr13:32,398,417, plus strand): 5'-CCTGTTAGTCCCATTTGTACATTTGTTTCTCCGGCTGCACAGAAGGCATTTCAGCCACCA[A>G]GGAGTTGTGGCACCAAATACGAAACACCCATAAAGAAAAAAGAACTGAATTCTCCTCAGA-3'
Protein context (NP_000050.3, residues 3292-3312): PAAQKAFQPP[Arg3302Gly]SCGTKYETPI